The following is an entry in ClinVar:

NM_003000.3(SDHB):c.734C>T (p.Thr245Ile)

Gene: SDHB (succinate dehydrogenase complex iron sulfur subunit B; minus strand). Cytogenetic location: 1p36.13.
Variant type: single nucleotide variant.
Coding change: c.734C>T on transcript NM_003000.3 (MANE Select); coding-DNA position 734, C replaced by T.
Protein change: p.Thr245Ile; replaces threonine 245 with isoleucine.
Molecular consequence: missense variant.
Genome position (GRCh38, 1-based): chr1:17,022,639, G>A on the plus strand (C>T on the coding strand, the complement: SDHB is on the minus strand). VCF-style: chr1-17022639-G-A. GRCh37 (hg19) VCF-style: chr1-17349134-G-A.
Other names: c.680C>T, p.Thr227Ile (NM_001407361.1); short protein forms T245I, T227I.
Identifiers: ClinVar variation 2012063 (VCV002012063.4), dbSNP rs2525003826, ClinGen allele CA338270126.

ClinVar aggregate classification (germline): Uncertain significance (1 of 4 stars; one submission).

Conditions:
Pheochromocytoma. Also called: MAX-Related Hereditary Paraganglioma-Pheochromocytoma Syndrome. Identifiers: Orphanet 29072, MedGen C0031511, MONDO:0008233, OMIM 171300, HP:0002666.
Gastrointestinal stromal tumor. Also called: Gastrointestinal stroma tumor; Gastrointestinal stromal tumor, somatic. Identifiers: Orphanet 44890, MedGen C0238198, MeSH D046152, MONDO:0011719, OMIM 606764, HP:0100723.
Pheochromocytoma/paraganglioma syndrome 4. Also called: CAROTID BODY TUMORS AND MULTIPLE EXTRAADRENAL PHEOCHROMOCYTOMAS; PARAGANGLIOMA, FAMILIAL MALIGNANT; PARAGANGLIOMAS, HEREDITARY EXTRAADRENAL; PHEOCHROMOCYTOMA, FAMILIAL EXTRAADRENAL; Paragangliomas 4; SDHB-Related Hereditary Paraganglioma-Pheochromocytoma Syndrome (Paragangliomas 4). Identifiers: Orphanet 29072, MedGen C1861848, MONDO:0007273, OMIM 115310.

Submission:

Labcorp Genetics (formerly Invitae), Labcorp
Classification: Uncertain significance for Gastrointestinal stromal tumor; Pheochromocytoma/paraganglioma syndrome 4; Pheochromocytoma. Last evaluated: 2022-06-29. Review status: criteria provided, single submitter. Criteria: Invitae Variant Classification Sherloc (09022015). Collection method: clinical testing. Allele origin: germline.
Comment: In summary, the available evidence is currently insufficient to determine the role of this variant in disease. Therefore, it has been classified as a Variant of Uncertain Significance. Advanced modeling of protein sequence and biophysical properties (such as structural, functional, and spatial information, amino acid conservation, physicochemical variation, residue mobility, and thermodynamic stability) performed at Invitae indicates that this missense variant is expected to disrupt SDHB protein function. This variant has not been reported in the literature in individuals affected with SDHB-related conditions. This variant is not present in population databases (gnomAD no frequency). This sequence change replaces threonine, which is neutral and polar, with isoleucine, which is neutral and non-polar, at codon 245 of the SDHB protein (p.Thr245Ile).